The following is an entry in ClinVar:

ClinVar aggregate classification (germline): Uncertain significance (1 of 4 stars; one submission).

Allele frequency attached by ClinVar (database versions not stated): gnomAD exomes 0.00001; TOPMed 0.00001.
gnomAD v4.1: 22 of 1,613,442 alleles (0.0014%); highest among the groups gnomAD compares: Non-Finnish European, 0.0017%; no homozygotes.

Submission:

Labcorp Genetics (formerly Invitae), Labcorp
Classification: Uncertain significance. Last evaluated: 2022-10-03. Review status: criteria provided, single submitter. Criteria: Invitae Variant Classification Sherloc (09022015). Collection method: clinical testing. Allele origin: germline.
Comment: This sequence change replaces alanine, which is neutral and non-polar, with valine, which is neutral and non-polar, at codon 326 of the CACNA1B protein (p.Ala326Val). This variant is present in population databases (rs201604014, gnomAD 0.003%). This variant has not been reported in the literature in individuals affected with CACNA1B-related conditions. Advanced modeling of protein sequence and biophysical properties (such as structural, functional, and spatial information, amino acid conservation, physicochemical variation, residue mobility, and thermodynamic stability) performed at Invitae indicates that this missense variant is not expected to disrupt CACNA1B protein function. In summary, the available evidence is currently insufficient to determine the role of this variant in disease. Therefore, it has been classified as a Variant of Uncertain Significance.

NM_000718.4(CACNA1B):c.977C>T (p.Ala326Val)

Gene: CACNA1B (calcium voltage-gated channel subunit alpha1 B; plus strand). Cytogenetic location: 9q34.3.
Variant type: single nucleotide variant.
Coding change: c.977C>T on transcript NM_000718.4 (MANE Select); coding-DNA position 977, C replaced by T.
Protein change: p.Ala326Val; replaces alanine 326 with valine.
Molecular consequence: missense variant.
Genome position (GRCh38, 1-based): chr9:137,952,284, C>T. VCF-style: chr9-137952284-C-T. GRCh37 (hg19) VCF-style: chr9-140846736-C-T.
Other names: c.977C>T, p.Ala326Val (NM_001243812.2); short protein forms A326V.
Identifiers: ClinVar variation 2082613 (VCV002082613.1), dbSNP rs201604014, ClinGen allele CA5376014.
Genomic context (GRCh38, chr9:137,952,284, plus strand): 5'-GGACTGTGTTTTGTCCCTGTCCTTCCTCATCTCCCTCTCCTTGCTTCCAGACAAACGATG[C>T]GGCCGGCAACACCTGGAACTGGCTCTACTTCATCCCTCTCATCATCATCGGCTCCTTCTT-3'
Protein context (NP_000709.1, residues 316-336): WTDILYNTND[Ala326Val]AGNTWNWLYF